The following is an entry in ClinVar:

ClinVar aggregate classification (germline): Benign/Likely benign. Review status: criteria provided, multiple submitters, no conflicts (2 of 4 stars). 12 submissions from 10 submitters: Benign (4); Likely benign (7). 1 of the submissions does not count toward it. Last evaluated 2026-09-01.

Conditions:
Intellectual developmental disorder with epilepsy, behavioral abnormalities, and coarse facies. Identifiers: MedGen C5436646, MONDO:0033572, OMIM 619031.
Congenital myasthenic syndrome 15. Also called: Myasthenic syndrome, congenital, 15, without tubular aggregates. Identifiers: Orphanet 353327, Orphanet 590, MedGen C4015596, MONDO:0014542, OMIM 616227.
Myopathy, epilepsy, and progressive cerebral atrophy. Identifiers: MedGen C5436652, MONDO:0033619, OMIM 619036.
ALG14-related disorder. Also called: ALG14-related condition.

Allele frequency attached by ClinVar (database versions not stated): 1000 Genomes Project 30x 0.00156; 1000 Genomes Project 0.00180; ExAC 0.00695; gnomAD exomes 0.00718 and 0.01111; gnomAD 0.00735 and 0.00753; TOPMed 0.00740; ESP Exome Variant Server 0.00823.
gnomAD v4.1: 17,260 of 1,614,130 alleles (1.1%); highest among the groups gnomAD compares: Non-Finnish European, 1.3%; 106 homozygotes.

Submissions (12):

CeGaT Center for Human Genetics Tuebingen
Classification: Benign. Last evaluated: 2026-09-01. Review status: criteria provided, single submitter. Criteria: CeGaT Center For Human Genetics Tuebingen Variant Classification Criteria Version 2. Collection method: clinical testing. Allele origin: germline. Affected: yes. Observed: 29 variant alleles.
Comment: ALG14: BP4, BS1, BS2

Labcorp Genetics (formerly Invitae), Labcorp
Classification: Benign for Congenital myasthenic syndrome 15. Last evaluated: 2026-02-01. Review status: criteria provided, single submitter. Criteria: Invitae Variant Classification Sherloc (09022015). Collection method: clinical testing. Allele origin: germline.

Genome-Nilou Lab
Classification: Likely benign for Congenital myasthenic syndrome 15. Last evaluated: 2023-04-11. Review status: criteria provided, single submitter. Criteria: ACMG Guidelines, 2015. Collection method: clinical testing. Allele origin: germline. Affected: no.

Genome-Nilou Lab
Classification: Likely benign for Intellectual developmental disorder with epilepsy, behavioral abnormalities, and coarse facies. Last evaluated: 2023-04-11. Review status: criteria provided, single submitter. Criteria: ACMG Guidelines, 2015. Collection method: clinical testing. Allele origin: germline. Affected: no.

Genome-Nilou Lab
Classification: Likely benign for Myopathy, epilepsy, and progressive cerebral atrophy. Last evaluated: 2023-04-11. Review status: criteria provided, single submitter. Criteria: ACMG Guidelines, 2015. Collection method: clinical testing. Allele origin: germline. Affected: no.

Mayo Clinic Laboratories, Mayo Clinic
Classification: Benign. Last evaluated: 2023-01-12. Review status: criteria provided, single submitter. Criteria: ACMG Guidelines, 2015. Collection method: clinical testing. Allele origin: germline. Observed: 10 variant alleles.
Comment: BS1, BS2, BP4

Fulgent Genetics
Classification: Likely benign for Congenital myasthenic syndrome 15; Intellectual developmental disorder with epilepsy, behavioral abnormalities, and coarse facies; Myopathy, epilepsy, and progressive cerebral atrophy. Last evaluated: 2021-09-27. Review status: criteria provided, single submitter. Criteria: ACMG Guidelines, 2015. Collection method: clinical testing. Allele origin: unknown.

GeneDx
Classification: Benign. Last evaluated: 2020-09-22. Review status: criteria provided, single submitter. Criteria: GeneDx Variant Classification Process June 2021. Collection method: clinical testing. Allele origin: germline. Affected: yes.
Comment: This variant is associated with the following publications: (PMID: 28820871)

Center for Pediatric Genomic Medicine, Children's Mercy Hospital and Clinics
Classification: Likely benign. Last evaluated: 2016-07-13. Review status: criteria provided, single submitter. Criteria: ACMG Guidelines, 2015. Collection method: clinical testing. Allele origin: germline.
ClinVar note: Converted during submission from Likely Benign to Likely benign.

Genetic Services Laboratory, University of Chicago
Classification: Likely benign. Last evaluated: 2015-11-09. Review status: criteria provided, single submitter. Criteria: ACMG Guidelines, 2015. Collection method: clinical testing. Allele origin: germline. Affected: no.

Breakthrough Genomics
Classification: Likely benign. Review status: criteria provided, single submitter. Criteria: ACMG Guidelines, 2015. Collection method: not provided. Allele origin: germline. Inheritance: Autosomal recessive inheritance. Affected: yes.

PreventionGenetics, part of Exact Sciences
Classification: Benign for ALG14-related condition. Last evaluated: 2020-04-27. Review status: no assertion criteria provided. Collection method: clinical testing. Allele origin: germline. Not counted in ClinVar's aggregate classification.
Comment: This variant is classified as benign based on ACMG/AMP sequence variant interpretation guidelines (Richards et al. 2015 PMID: 25741868, with internal and published modifications).

Literature cited by the submitters: PubMed 34908252 (cited by Mayo Clinic Laboratories, Mayo Clinic).

NM_144988.4(ALG14):c.31G>A (p.Ala11Thr)

Genes: ALG14 (ALG14 UDP-N-acetylglucosaminyltransferase subunit; minus strand), LOC129930989 (ATAC-STARR-seq lymphoblastoid active region 1353; plus strand). Cytogenetic location: 1p21.3.
Variant type: single nucleotide variant.
Coding change: c.31G>A on transcript NM_144988.4 (MANE Select); coding-DNA position 31, G replaced by A.
Protein change: p.Ala11Thr; replaces alanine 11 with threonine.
Molecular consequence: missense variant. On other transcripts: non-coding transcript variant (1).
Genome position (GRCh38, 1-based): chr1:95,072,868, C>T on the plus strand (G>A on the coding strand, the complement: ALG14 is on the minus strand). VCF-style: chr1-95072868-C-T. GRCh37 (hg19) VCF-style: chr1-95538424-C-T.
Other names: p.Ala11Thr; c.31G>A, p.Ala11Thr (NM_001305242.2); short protein forms A11T.
Identifiers: ClinVar variation 376840 (VCV000376840.56), dbSNP rs34364382, ClinGen allele CA961908.
Genomic context (GRCh38, chr1:95,072,868, plus strand): 5'-CGTCCATGGAACGAAGCACTACCCATATTCGCAGGATTAGGAAAACCGCCACAGCTCCTG[C>T]GGCCGCAGCTAGAACGAGAACGCACACCATGCAGAGAAACGGCGCATGCGTCCAACTTCC-3'
Protein context (NP_659425.1, residues 1-21): MVCVLVLAAA[Ala11Thr]GAVAVFLILR